The following is an entry in ClinVar:

NM_000843.4(GRM6):c.1406G>C (p.Arg469Pro)

Genes: GRM6 (glutamate metabotropic receptor 6; minus strand), ZNF454 (zinc finger protein 454; plus strand). Cytogenetic location: 5q35.3.
Variant type: single nucleotide variant.
Coding change: c.1406G>C on transcript NM_000843.4 (MANE Select); coding-DNA position 1406, G replaced by C.
Protein change: p.Arg469Pro; replaces arginine 469 with proline.
Molecular consequence: missense variant.
Genome position (GRCh38, 1-based): chr5:178,986,932, C>G on the plus strand (G>C on the coding strand, the complement: GRM6 is on the minus strand). VCF-style: chr5-178986932-C-G. GRCh37 (hg19) VCF-style: chr5-178413933-C-G.
Other names: short protein forms R469P.
Identifiers: ClinVar variation 1463970 (VCV001463970.6), dbSNP rs111526982, ClinGen allele CA362429300.
Genomic context (GRCh38, chr5:178,986,932, plus strand): 5'-GCCTGGTACCCGCCACTGCTGGCACTGCCATTGGTCGCCTGGTACTGGAAGATGTCGTAC[C>G]GCCCGGGCGCATCTCCGTTCTCGTTGAACATCACAGGGGTTCCTGCGCTGCCTGGAGAGA-3'
Protein context (NP_000834.2, residues 459-479): MFNENGDAPG[Arg469Pro]YDIFQYQATN

ClinVar aggregate classification (germline): Uncertain significance (1 of 4 stars; one submission).

Submission:

Labcorp Genetics (formerly Invitae), Labcorp
Classification: Uncertain significance. Last evaluated: 2022-06-27. Review status: criteria provided, single submitter. Criteria: Invitae Variant Classification Sherloc (09022015). Collection method: clinical testing. Allele origin: germline.
Comment: This variant has not been reported in the literature in individuals affected with GRM6-related conditions. In summary, the available evidence is currently insufficient to determine the role of this variant in disease. Therefore, it has been classified as a Variant of Uncertain Significance. Advanced modeling of protein sequence and biophysical properties (such as structural, functional, and spatial information, amino acid conservation, physicochemical variation, residue mobility, and thermodynamic stability) performed at Invitae indicates that this missense variant is expected to disrupt GRM6 protein function. This variant is not present in population databases (gnomAD no frequency). This sequence change replaces arginine, which is basic and polar, with proline, which is neutral and non-polar, at codon 469 of the GRM6 protein (p.Arg469Pro).